The following is an entry in ClinVar:

NM_000448.3(RAG1):c.2449G>T (p.Glu817Ter)

Gene: RAG1 (recombination activating 1; plus strand). Cytogenetic location: 11p12.
Variant type: single nucleotide variant.
Coding change: c.2449G>T on transcript NM_000448.3 (MANE Select); coding-DNA position 2449, G replaced by T.
Protein change: p.Glu817Ter; replaces glutamic acid 817 with a stop codon.
Molecular consequence: nonsense.
Genome position (GRCh38, 1-based): chr11:36,575,753, G>T. VCF-style: chr11-36575753-G-T. GRCh37 (hg19) VCF-style: chr11-36597303-G-T.
Other names: c.2449G>T, p.Glu817Ter (NM_001377277.1, NM_001377278.1, NM_001377279.1 and 1 more transcripts); short protein forms E817*.
Identifiers: ClinVar variation 2954427 (VCV002954427.3), dbSNP rs2494760396, ClinGen allele CA380154745.

ClinVar aggregate classification (germline): Pathogenic (1 of 4 stars; one submission).

Conditions:
Combined immunodeficiency with skin granulomas. Identifiers: Orphanet 157949, MedGen C2673536, MONDO:0009306, OMIM 233650.
Severe combined immunodeficiency, autosomal recessive, T cell-negative, B cell-negative, NK cell-positive. Also called: SCID, T CELL-NEGATIVE, B CELL-NEGATIVE, NK CELL-POSITIVE; Severe combined immunodeficiency due to complete RAG1/2 deficiency; SCID, AR, T-cell negative, B-cell negative, NK cell-positive. Identifiers: Orphanet 331206, MedGen C1832322, MONDO:0011086, OMIM 601457.

Submission:

Labcorp Genetics (formerly Invitae), Labcorp
Classification: Pathogenic for Combined immunodeficiency with skin granulomas; Severe combined immunodeficiency, autosomal recessive, T cell-negative, B cell-negative, NK cell-positive. Last evaluated: 2023-12-04. Review status: criteria provided, single submitter. Criteria: Invitae Variant Classification Sherloc (09022015). Collection method: clinical testing. Allele origin: germline.
Comment: This sequence change creates a premature translational stop signal (p.Glu817*) in the RAG1 gene. While this is not anticipated to result in nonsense mediated decay, it is expected to disrupt the last 227 amino acid(s) of the RAG1 protein. This variant is not present in population databases (gnomAD no frequency). This variant has not been reported in the literature in individuals affected with RAG1-related conditions. Algorithms developed to predict the effect of sequence changes on RNA splicing suggest that this variant may create or strengthen a splice site. This variant disrupts a region of the RAG1 protein in which other variant(s) (p.Trp959*) have been determined to be pathogenic (PMID: 11133745, 24290284, 24406074). This suggests that this is a clinically significant region of the protein, and that variants that disrupt it are likely to be disease-causing. For these reasons, this variant has been classified as Pathogenic.

Literature cited by the submitters: PubMed 11133745; PubMed 24290284; PubMed 24406074.